The following is an entry in ClinVar:

ClinVar aggregate classification (germline): Uncertain significance. Review status: criteria provided, multiple submitters, no conflicts (2 of 4 stars). 2 submissions from 2 submitters: Uncertain significance (2). Last evaluated 2025-09-08.

Conditions:
Familial thoracic aortic aneurysm and aortic dissection (TAAD). Also called: Thoracic aortic aneurysms and dissections. Identifiers: Orphanet 91387, MedGen C4707243, MONDO:0019625.

gnomAD v4.1: 3 of 1,614,188 alleles (0.00019%); highest among the groups gnomAD compares: Admixed American, 0.005%; no homozygotes.

Submissions (2):

Labcorp Genetics (formerly Invitae), Labcorp
Classification: Uncertain significance for Familial thoracic aortic aneurysm and aortic dissection. Last evaluated: 2025-09-08. Review status: criteria provided, single submitter. Criteria: Invitae Variant Classification Sherloc (09022015). Collection method: clinical testing. Allele origin: germline.
Comment: This sequence change replaces proline, which is neutral and non-polar, with leucine, which is neutral and non-polar, at codon 175 of the TGFBR2 protein (p.Pro175Leu). This variant is present in population databases (no rsID available, gnomAD 0.009%). This variant has not been reported in the literature in individuals affected with TGFBR2-related conditions. Invitae Evidence Modeling of protein sequence and biophysical properties (such as structural, functional, and spatial information, amino acid conservation, physicochemical variation, residue mobility, and thermodynamic stability) indicates that this missense variant is not expected to disrupt TGFBR2 protein function with a negative predictive value of 95%. In summary, the available evidence is currently insufficient to determine the role of this variant in disease. Therefore, it has been classified as a Variant of Uncertain Significance.

Color Diagnostics, LLC DBA Color Health
Classification: Uncertain significance for Familial thoracic aortic aneurysm and aortic dissection. Last evaluated: 2025-07-21. Review status: criteria provided, single submitter. Criteria: ACMG Guidelines, 2015. Collection method: clinical testing. Allele origin: germline.
Comment: This missense variant replaces proline with leucine at codon 175 of the TGFBR2 protein. Computational prediction suggests that this variant may not impact protein structure and function. To our knowledge, functional studies have not been reported for this variant. This variant has not been reported in individuals affected with TGFBR2-related disorders in the literature. This variant has been identified in 3/251284 chromosomes in the general population by the Genome Aggregation Database (gnomAD). The available evidence is insufficient to determine the role of this variant in disease conclusively. Therefore, this variant is classified as a Variant of Uncertain Significance.

NM_003242.6(TGFBR2):c.524C>T (p.Pro175Leu)

Gene: TGFBR2 (transforming growth factor beta receptor 2; plus strand). Cytogenetic location: 3p24.1.
Variant type: single nucleotide variant.
Coding change: c.524C>T on transcript NM_003242.6 (MANE Select); coding-DNA position 524, C replaced by T.
Protein change: p.Pro175Leu; replaces proline 175 with leucine.
Molecular consequence: missense variant. On other transcripts: intron variant (1).
Genome position (GRCh38, 1-based): chr3:30,671,707, C>T. VCF-style: chr3-30671707-C-T. GRCh37 (hg19) VCF-style: chr3-30713199-C-T.
Other names: c.599C>T, p.Pro200Leu (NM_001024847.3); c.707C>T, p.Pro236Leu (NM_001407126.1); c.632C>T, p.Pro211Leu (NM_001407127.1); c.551C>T, p.Pro184Leu (NM_001407128.1); c.527C>T, p.Pro176Leu (NM_001407129.1); c.524C>T, p.Pro175Leu (NM_001407130.1); c.419C>T, p.Pro140Leu (NM_001407132.1, NM_001407133.1, NM_001407134.1 and 2 more transcripts); c.239C>T, p.Pro80Leu (NM_001407137.1); and 2 more; short protein forms P140L, P175L, P176L, P236L, P80L, P200L, P184L, P55L.
Identifiers: ClinVar variation 4698552 (VCV004698552.1).